The following is an entry in ClinVar:

ClinVar aggregate classification (germline): Uncertain significance (1 of 4 stars; one submission).

gnomAD v4.1: 2 of 1,449,988 alleles (0.00014%); highest among the groups gnomAD compares: Non-Finnish European, 0.00019%; no homozygotes.

Submission:

Labcorp Genetics (formerly Invitae), Labcorp
Classification: Uncertain significance. Last evaluated: 2024-12-12. Review status: criteria provided, single submitter. Criteria: Invitae Variant Classification Sherloc (09022015). Collection method: clinical testing. Allele origin: germline.
Comment: This sequence change replaces lysine, which is basic and polar, with glutamic acid, which is acidic and polar, at codon 318 of the GCLC protein (p.Lys318Glu). This variant is not present in population databases (gnomAD no frequency). This variant has not been reported in the literature in individuals affected with GCLC-related conditions. An algorithm developed to predict the effect of missense changes on protein structure and function (PolyPhen-2) suggests that this variant is likely to be disruptive. In summary, the available evidence is currently insufficient to determine the role of this variant in disease. Therefore, it has been classified as a Variant of Uncertain Significance.

NM_001498.4(GCLC):c.952A>G (p.Lys318Glu)

Gene: GCLC (glutamate-cysteine ligase catalytic subunit; minus strand). Cytogenetic location: 6p12.1.
Variant type: single nucleotide variant.
Coding change: c.952A>G on transcript NM_001498.4 (MANE Select); coding-DNA position 952, A replaced by G.
Protein change: p.Lys318Glu; replaces lysine 318 with glutamic acid.
Molecular consequence: missense variant.
Genome position (GRCh38, 1-based): chr6:53,507,612, T>C on the plus strand (A>G on the coding strand, the complement: GCLC is on the minus strand). VCF-style: chr6-53507612-T-C. GRCh37 (hg19) VCF-style: chr6-53372410-T-C.
Other names: c.838A>G, p.Lys280Glu (NM_001197115.2); short protein forms K280E, K318E.
Identifiers: ClinVar variation 3727209 (VCV003727209.2).
Genomic context (GRCh38, chr6:53,507,612, plus strand): 5'-TAGATAAATAGCTGTCTATTGAGTCATATCGGGATTTACTGATCCTATAGTTATTGTTCT[T>C]CAATGGCTAAAGATTAAAAATATATATAAATGAATATGCTATATAAAATGAGTGGAATAT-3'
Protein context (NP_001489.1, residues 308-328): TREERGLEPL[Lys318Glu]NNNYRISKSR